The following is an entry in ClinVar:

ClinVar aggregate classification (germline): Pathogenic/Likely pathogenic. Review status: criteria provided, multiple submitters, no conflicts (2 of 4 stars). 4 submissions from 4 submitters: Pathogenic (1); Likely pathogenic (3). Last evaluated 2025-11-23.

Conditions:
GUCA1A-related disorders.
Cone dystrophy 3 (COD3). Also called: RETINAL CONE DYSTROPHY. Identifiers: Orphanet 1872, MedGen C1865869, MONDO:0011193, OMIM 602093.

Submissions (4):

Labcorp Genetics (formerly Invitae), Labcorp
Classification: Likely pathogenic. Last evaluated: 2025-11-23. Review status: criteria provided, single submitter. Criteria: Invitae Variant Classification Sherloc (09022015). Collection method: clinical testing. Allele origin: germline.
Comment: This sequence change replaces glycine, which is neutral and non-polar, with arginine, which is basic and polar, at codon 86 of the GUCA1A protein (p.Gly86Arg). This variant is not present in population databases (gnomAD no frequency). This missense change has been observed in individuals with retinitis pigmentosa (PMID: 30622141; internal data). It has also been observed to segregate with disease in related individuals. ClinVar contains an entry for this variant (Variation ID: 2027963). An algorithm developed to predict the effect of missense changes on protein structure and function (PolyPhen-2) suggests that this variant is likely to be disruptive. Experimental studies have shown that this missense change affects GUCA1A function (PMID: 30622141, 31979372). In summary, the currently available evidence indicates that the variant is pathogenic, but additional data are needed to prove that conclusively. Therefore, this variant has been classified as Likely Pathogenic.

Blueprint Genetics
Classification: Pathogenic for GUCA1A-related disorders. Last evaluated: 2024-02-26. Review status: criteria provided, single submitter. Criteria: ACMG Guidelines, 2015. Collection method: clinical testing. Allele origin: germline. Affected: yes. Observed: 5 variant alleles.

3billion
Classification: Likely pathogenic for Cone dystrophy 3. Last evaluated: 2023-06-27. Review status: criteria provided, single submitter. Criteria: ACMG Guidelines, 2015. Collection method: clinical testing. Allele origin: germline. Affected: yes.
Comment: The variant is not observed in the gnomAD v2.1.1 dataset. Predicted Consequence/Location: Missense changes are a common disease-causing mechanism. Functional studies provide strong evidence of the variant having a damaging effect on the gene or gene product (PMID: 30622141). In silico tool predictions suggest damaging effect of the variant on gene or gene product (REVEL: 0.74; 3Cnet: 0.76). Different nucleotide change resulting in same amino acid change has been previously reported to be associated with GUCA1A related disorder(ClinVar ID: VCV000974939 /PMID: 30622141). Therefore, this variant is classified as Likely pathogenic according to the recommendation of ACMG/AMP guideline.

Clinical Genetics Service, Universitary Hospital 12 de Octubre
Classification: Likely pathogenic for Cone dystrophy 3. Review status: criteria provided, single submitter. Criteria: ACMG Guidelines, 2015. Collection method: clinical testing. Allele origin: germline. Affected: yes.

Literature cited by the submitters: PubMed 30622141 (cited by Labcorp Genetics (formerly Invitae), Labcorp and 3billion); PubMed 31979372 (cited by Labcorp Genetics (formerly Invitae), Labcorp).

NM_001384910.1(GUCA1A):c.256G>A (p.Gly86Arg)

Genes: GUCA1A (guanylate cyclase activator 1A; plus strand), GUCA1ANB-GUCA1A (GUCA1ANB-GUCA1A readthrough; plus strand). Cytogenetic location: 6p21.1.
Variant type: single nucleotide variant.
Coding change: c.256G>A on transcript NM_001384910.1 (MANE Select); coding-DNA position 256, G replaced by A.
Protein change: p.Gly86Arg; replaces glycine 86 with arginine.
Molecular consequence: missense variant.
Genome position (GRCh38, 1-based): chr6:42,178,334, G>A. VCF-style: chr6-42178334-G-A. GRCh37 (hg19) VCF-style: chr6-42146072-G-A.
Other names: c.256G>A, p.Gly86Arg (NM_000409.5, NM_001319061.2, NM_001319062.2); c.256G>A (NM_000409.4); short protein forms G86R.
Identifiers: ClinVar variation 2027963 (VCV002027963.7), dbSNP rs1768014561, ClinGen allele CA364108894.